The following is an entry in ClinVar:

NM_018124.4(RFWD3):c.443C>T (p.Pro148Leu)

Gene: RFWD3 (ring finger and WD repeat domain 3; minus strand). Cytogenetic location: 16q23.1.
Variant type: single nucleotide variant.
Coding change: c.443C>T on transcript NM_018124.4 (MANE Select); coding-DNA position 443, C replaced by T.
Protein change: p.Pro148Leu; replaces proline 148 with leucine.
Molecular consequence: missense variant. On other transcripts: 5 prime UTR variant (4), intron variant (1).
Genome position (GRCh38, 1-based): chr16:74,661,007, G>A on the plus strand (C>T on the coding strand, the complement: RFWD3 is on the minus strand). VCF-style: chr16-74661007-G-A. GRCh37 (hg19) VCF-style: chr16-74694905-G-A.
Other names: c.443C>T, p.Pro148Leu (NM_001370534.1, NM_001370535.1, NM_001370536.1); c.-566C>T (NM_001370537.1); c.-189C>T (NM_001370539.1, NM_001370541.1); c.-443C>T (NM_001370542.1); c.-321C>T (NM_001370543.1); c.-317+3617C>T (NM_001370540.1); c.443C>T (NM_018124.3); short protein forms P148L.
Identifiers: ClinVar variation 2197913 (VCV002197913.6), dbSNP rs763874688, ClinGen allele CA8169579.
Genomic context (GRCh38, chr16:74,661,007, plus strand): 5'-CTCTGAGACCCTCCGGCTCTTGCCCTCCGTGAAGCAGATACCCTCCTTCTTGTTCTCATT[G>A]GCCCTACACTGTGGTTTGAAGATGAAGGTCTCAGGAATTCCAGCATGCCATGAAGTCTCT-3'
Protein context (NP_060594.3, residues 138-158): RPSSSNHSVG[Pro148Leu]MRTRRRVSAS

ClinVar aggregate classification (germline): Uncertain significance. Review status: criteria provided, multiple submitters, no conflicts (2 of 4 stars). 3 submissions from 3 submitters: Uncertain significance (3). Last evaluated 2025-09-23.

Conditions:
Fanconi anemia, complementation group W. Identifiers: MedGen C4521564, MONDO:0044325, OMIM 617784.

Allele frequency attached by ClinVar (database versions not stated): ExAC 0.00002; TOPMed 0.00003; gnomAD 0.00004; gnomAD exomes 0.00016.
gnomAD v4.1: 226 of 1,613,982 alleles (0.014%); highest among the groups gnomAD compares: Non-Finnish European, 0.019%; no homozygotes.

Submissions (3):

Labcorp Genetics (formerly Invitae), Labcorp
Classification: Uncertain significance. Last evaluated: 2025-09-23. Review status: criteria provided, single submitter. Criteria: Invitae Variant Classification Sherloc (09022015). Collection method: clinical testing. Allele origin: germline.
Comment: This sequence change replaces proline, which is neutral and non-polar, with leucine, which is neutral and non-polar, at codon 148 of the RFWD3 protein (p.Pro148Leu). This variant is present in population databases (rs763874688, gnomAD 0.004%). This variant has not been reported in the literature in individuals affected with RFWD3-related conditions. ClinVar contains an entry for this variant (Variation ID: 2197913). An algorithm developed to predict the effect of missense changes on protein structure and function (PolyPhen-2) suggests that this variant is likely to be disruptive. In summary, the available evidence is currently insufficient to determine the role of this variant in disease. Therefore, it has been classified as a Variant of Uncertain Significance.

Ambry Genetics
Classification: Uncertain significance. Last evaluated: 2024-12-10. Review status: criteria provided, single submitter. Criteria: Ambry Variant Classification Scheme 2023. Collection method: clinical testing. Allele origin: germline.

St. Jude Molecular Pathology, St. Jude Children's Research Hospital
Classification: Uncertain significance for Fanconi anemia, complementation group W. Last evaluated: 2024-10-03. Review status: criteria provided, single submitter. Criteria: St. Jude Assertion Criteria 2020. Collection method: clinical testing. Allele origin: germline.
Comment: The RFWD3 c.443C>T (p.Pro148Leu) missense change has a maximum subpopulation frequency of 0.0040% in gnomAD v2.1.1. The in silico tool REVEL predicts a benign effect on protein function, but this prediction has not been confirmed by functional studies. This variant has not been reported in the literature in individuals with RFWD3-related Fanconi anemia. In summary, the evidence currently available is insufficient to determine the clinical significance of this variant. It has therefore been classified as of uncertain significance.